The following is an entry in ClinVar:

NM_001366722.1(GRIP1):c.2464+3A>G

Gene: GRIP1 (glutamate receptor interacting protein 1; minus strand). Cytogenetic location: 12q14.3.
Variant type: single nucleotide variant.
Coding change: c.2464+3A>G on transcript NM_001366722.1 (MANE Select); 3 bases into the intron after coding-DNA position 2464, A replaced by G.
Molecular consequence: intron variant.
Genome position (GRCh38, 1-based): chr12:66,392,305, T>C on the plus strand (A>G on the coding strand, the complement: GRIP1 is on the minus strand). VCF-style: chr12-66392305-T-C. GRCh37 (hg19) VCF-style: chr12-66786085-T-C.
Other names: c.2308+3A>G (NM_001379351.1, NM_001178074.2, NM_021150.4 and 1 more transcripts); c.2311+3A>G (NM_001379349.1); c.2383+3A>G (NM_001379348.1, NM_001366723.1); c.2386+3A>G (NM_001379347.1, NM_001366724.1); c.2542+3A>G (NM_001379345.1); c.2464+3A>G (NM_001379346.1).
Identifiers: ClinVar variation 2691513 (VCV002691513.3), dbSNP rs1280586325, ClinGen allele CA605708949.
Genomic context (GRCh38, chr12:66,392,305, plus strand): 5'-AATCTTGGAGAAGCATGGGCTTCAACAATGACAAGTCCTCTGGGGGACAAAGTAAAGACA[T>C]ACCTTGAGTTCCATAGCTGGTGTCTATTGCAGACCCATCCCATGAATCCACAGCACTGTC-3'

ClinVar aggregate classification (germline): Uncertain significance. Review status: criteria provided, single submitter (1 of 4 stars). 2 submissions from 2 submitters: Uncertain significance (1). 1 of the submissions does not count toward it. Last evaluated 2023-12-07.

Conditions:
GRIP1-related disorder. Also called: GRIP1-related condition.

Allele frequency attached by ClinVar (database versions not stated): gnomAD exomes below 0.00001; TOPMed 0.00002; gnomAD 0.00003.
gnomAD v4.1: 6 of 1,563,466 alleles (0.00038%); highest among the groups gnomAD compares: African/African-American, 0.0081%; no homozygotes.

Submissions (2):

Women's Health and Genetics/Laboratory Corporation of America, LabCorp
Classification: Uncertain significance. Last evaluated: 2023-12-07. Review status: criteria provided, single submitter. Criteria: LabCorp Variant Classification Summary - May 2015. Collection method: clinical testing. Allele origin: germline.

PreventionGenetics, part of Exact Sciences
Classification: Likely benign for GRIP1-related condition. Last evaluated: 2021-06-25. Review status: no assertion criteria provided. Collection method: clinical testing. Allele origin: germline. Not counted in ClinVar's aggregate classification.
Comment: This variant is classified as likely benign based on ACMG/AMP sequence variant interpretation guidelines (Richards et al. 2015 PMID: 25741868, with internal and published modifications).